The following is an entry in ClinVar:

ClinVar aggregate classification (germline): Uncertain significance (1 of 4 stars; one submission).

Submission:

GeneDx
Classification: Uncertain significance. Last evaluated: 2019-09-23. Review status: criteria provided, single submitter. Criteria: GeneDx Variant Classification Process June 2021. Collection method: clinical testing. Allele origin: germline. Affected: yes.
Comment: Not observed in large population cohorts (Lek et al., 2016); In silico analysis, which includes protein predictors and evolutionary conservation, supports a deleterious effect; Has not been previously published as pathogenic or benign to our knowledge

NM_001130823.3(DNMT1):c.3509G>T (p.Gly1170Val)

Gene: DNMT1 (DNA methyltransferase 1; minus strand). Cytogenetic location: 19p13.2.
Variant type: single nucleotide variant.
Coding change: c.3509G>T on transcript NM_001130823.3 (MANE Select); coding-DNA position 3509, G replaced by T.
Protein change: p.Gly1170Val; replaces glycine 1170 with valine.
Molecular consequence: missense variant.
Genome position (GRCh38, 1-based): chr19:10,140,795, C>A on the plus strand (G>T on the coding strand, the complement: DNMT1 is on the minus strand). VCF-style: chr19-10140795-C-A. GRCh37 (hg19) VCF-style: chr19-10251471-C-A.
Other names: c.3461G>T, p.Gly1154Val (NM_001318730.2, NM_001379.4); c.3146G>T, p.Gly1049Val (NM_001318731.2); short protein forms G1049V, G1154V, G1170V.
Identifiers: ClinVar variation 1303825 (VCV001303825.2), dbSNP rs2145267014, ClinGen allele CA403973342.